The following is an entry in ClinVar:

NM_005097.4(LGI1):c.794G>A (p.Trp265Ter)

Gene: LGI1 (leucine rich glioma inactivated 1; plus strand). Cytogenetic location: 10q23.33.
Variant type: single nucleotide variant.
Coding change: c.794G>A on transcript NM_005097.4 (MANE Select); coding-DNA position 794, G replaced by A.
Protein change: p.Trp265Ter; replaces tryptophan 265 with a stop codon.
Molecular consequence: nonsense. On other transcripts: non-coding transcript variant (1).
Genome position (GRCh38, 1-based): chr10:93,793,306, G>A. VCF-style: chr10-93793306-G-A. GRCh37 (hg19) VCF-style: chr10-95553063-G-A.
Other names: c.794G>A, p.Trp265Ter (NM_001308275.2); c.650G>A, p.Trp217Ter (NM_001308276.2); short protein forms W217*, W265*.
Identifiers: ClinVar variation 3770200 (VCV003770200.1).
Genomic context (GRCh38, chr10:93,793,306, plus strand): 5'-TGAATGATGAGTATGTAGTCATCGCTCAGCCTTTTACTGGAAAATGCATTTTCCTTGAAT[G>A]GGACCATGTGGAAAAGACCTTCCGGAATTATGACAACATTACAGGTATGAAAAGCCTAAT-3'

ClinVar aggregate classification (germline): Likely pathogenic (1 of 4 stars; one submission).

Conditions:
Epilepsy, familial temporal lobe, 1. Identifiers: Orphanet 101046, MedGen CN030884, MONDO:0700090, OMIM 600512.

Submission:

Department of Neurology, Zibo Changguo Hospital
Classification: Likely pathogenic for Epilepsy, familial temporal lobe, 1. Last evaluated: 2025-01-08. Review status: criteria provided, single submitter. Criteria: ACMG Guidelines, 2015. Collection method: clinical testing. Allele origin: maternal. Inheritance: Autosomal dominant inheritance. Affected: yes.
Comment: PVS1_Strong, PM2_Supporting